The following is an entry in ClinVar:

NM_000141.5(FGFR2):c.788C>G (p.Pro263Arg)

Gene: FGFR2 (fibroblast growth factor receptor 2; minus strand). Cytogenetic location: 10q26.13.
Variant type: single nucleotide variant.
Coding change: c.788C>G on transcript NM_000141.5 (MANE Select); coding-DNA position 788, C replaced by G.
Protein change: p.Pro263Arg; replaces proline 263 with arginine.
Molecular consequence: missense variant. On other transcripts: non-coding transcript variant (1), intron variant (1).
Genome position (GRCh38, 1-based): chr10:121,520,130, G>C on the plus strand (C>G on the coding strand, the complement: FGFR2 is on the minus strand). VCF-style: chr10-121520130-G-C. GRCh37 (hg19) VCF-style: chr10-123279644-G-C.
Other names: c.788C>G, p.Pro263Arg (NM_001144913.1, NM_001144917.2, NM_001320658.2 and 1 more transcripts); c.521C>G, p.Pro174Arg (NM_001144915.2, NM_001144919.2, NM_023029.3); c.443C>G, p.Pro148Arg (NM_001144916.2, NM_001144918.2); c.104C>G, p.Pro35Arg (NM_001320654.2); c.749-4811C>G (NM_001144914.1); short protein forms P174R, P148R, P263R, P35R.
Identifiers: ClinVar variation 3657408 (VCV003657408.2).
Genomic context (GRCh38, chr10:121,520,130, plus strand): 5'-TCACTGTAAACCTTGCAGACAAACTCTACGTCTCCTCCGACCACTGTGGAGGCATTTGCC[G>C]GCAGTCCGGCTTGGAGGATGGGCCGGTGAGGCGATCGCTCTGGTGGAGAGAGGGAAGAAA-3'
Protein context (NP_000132.3, residues 253-273): PHRPILQAGL[Pro263Arg]ANASTVVGGD

ClinVar aggregate classification (germline): Uncertain significance (1 of 4 stars; one submission).

Conditions:
FGFR2-related craniosynostosis. Identifiers: MedGen CN231480.

Submission:

Labcorp Genetics (formerly Invitae), Labcorp
Classification: Uncertain significance for FGFR2-related craniosynostosis. Last evaluated: 2024-07-08. Review status: criteria provided, single submitter. Criteria: Invitae Variant Classification Sherloc (09022015). Collection method: clinical testing. Allele origin: germline.
Comment: This sequence change replaces proline, which is neutral and non-polar, with arginine, which is basic and polar, at codon 263 of the FGFR2 protein (p.Pro263Arg). This variant is not present in population databases (gnomAD no frequency). This variant has not been reported in the literature in individuals affected with FGFR2-related conditions. Advanced modeling of protein sequence and biophysical properties (such as structural, functional, and spatial information, amino acid conservation, physicochemical variation, residue mobility, and thermodynamic stability) performed at Invitae indicates that this missense variant is expected to disrupt FGFR2 protein function with a positive predictive value of 95%. In summary, the available evidence is currently insufficient to determine the role of this variant in disease. Therefore, it has been classified as a Variant of Uncertain Significance.